The following is an entry in ClinVar:

ClinVar aggregate classification (germline): Uncertain significance (1 of 4 stars; one submission).

Conditions:
Leigh syndrome (NULS). Also called: Leigh's necrotizing encephalopathy; Leigh's disease; Leigh Syndrome (mtDNA deletion); Leigh Disease; Subacute necrotizing encephalopathy; Necrotizing encephalopathy infantile subacute of Leigh. Identifiers: Orphanet 506, MedGen C2931891, MONDO:0009723, OMIM 256000.

Submission:

Wong Mito Lab, Molecular and Human Genetics, Baylor College of Medicine
Classification: Uncertain significance for Leigh syndrome. Last evaluated: 2019-10-17. Review status: criteria provided, single submitter. Criteria: Modified ACMG Guidelines (Unpublished). Collection method: clinical testing. Allele origin: germline.
Comment: The NC_012920.1:m.8933C>T (YP_003024031.1:p.Pro136Leu) variant in MTATP6 gene is interpretated to be a Uncertain Significance variant based on the modified ACMG guidelines (unpublished). This variant meets the following evidence codes: PP4

NC_012920.1(MT-ATP6):m.8933C>T

Gene: MT-ATP6 (mitochondrially encoded ATP synthase 6; plus strand).
Variant type: single nucleotide variant.
Genome position: chrM-8933-C-T.
Identifiers: ClinVar variation 693026 (VCV000693026.1), dbSNP rs1603221918, ClinGen allele CA414799030.